The following is an entry in ClinVar:

NM_017617.5(NOTCH1):c.3353A>G (p.His1118Arg)

Gene: NOTCH1 (notch receptor 1; minus strand). Cytogenetic location: 9q34.3.
Variant type: single nucleotide variant.
Coding change: c.3353A>G on transcript NM_017617.5 (MANE Select); coding-DNA position 3353, A replaced by G.
Protein change: p.His1118Arg; replaces histidine 1118 with arginine.
Molecular consequence: missense variant.
Genome position (GRCh38, 1-based): chr9:136,508,112, T>C on the plus strand (A>G on the coding strand, the complement: NOTCH1 is on the minus strand). VCF-style: chr9-136508112-T-C. GRCh37 (hg19) VCF-style: chr9-139402564-T-C.
Other names: c.3353A>G (NM_017617.3); short protein forms H1118R.
Identifiers: ClinVar variation 1041970 (VCV001041970.9), dbSNP rs1843118145, ClinGen allele CA375551560.

ClinVar aggregate classification (germline): Uncertain significance. Review status: criteria provided, multiple submitters, no conflicts (2 of 4 stars). 2 submissions from 2 submitters: Uncertain significance (2). Last evaluated 2023-11-15.

Conditions:
Adams-Oliver syndrome 5 (AOS5). Identifiers: Orphanet 974, MedGen C4014970, MONDO:0014459, OMIM 616028.

Allele frequency attached by ClinVar (database versions not stated): gnomAD exomes below 0.00001.
gnomAD v4.1: 2 of 1,608,900 alleles (0.00012%); highest among the groups gnomAD compares: Non-Finnish European, 0.00017%; no homozygotes.

Submissions (2):

GeneDx
Classification: Uncertain significance. Last evaluated: 2023-11-15. Review status: criteria provided, single submitter. Criteria: GeneDx Variant Classification Process June 2021. Collection method: clinical testing. Allele origin: germline. Affected: yes.
Comment: Not observed at significant frequency in large population cohorts (gnomAD); In silico analysis supports that this missense variant has a deleterious effect on protein structure/function; Has not been previously published as pathogenic or benign to our knowledge

Labcorp Genetics (formerly Invitae), Labcorp
Classification: Uncertain significance for Adams-Oliver syndrome 5. Last evaluated: 2020-08-23. Review status: criteria provided, single submitter. Criteria: Invitae Variant Classification Sherloc (09022015). Collection method: clinical testing. Allele origin: germline.
Comment: This variant is not present in population databases (ExAC no frequency). In summary, the available evidence is currently insufficient to determine the role of this variant in disease. Therefore, it has been classified as a Variant of Uncertain Significance. Advanced modeling of protein sequence and biophysical properties (such as structural, functional, and spatial information, amino acid conservation, physicochemical variation, residue mobility, and thermodynamic stability) performed at Invitae indicates that this missense variant is not expected to disrupt NOTCH1 protein function. This variant has not been reported in the literature in individuals with NOTCH1-related conditions. This sequence change replaces histidine with arginine at codon 1118 of the NOTCH1 protein (p.His1118Arg). The histidine residue is weakly conserved and there is a small physicochemical difference between histidine and arginine.